The following is an entry in ClinVar:

ClinVar aggregate classification (germline): Uncertain significance. Review status: criteria provided, multiple submitters, no conflicts (2 of 4 stars). 2 submissions from 2 submitters: Uncertain significance (2). Last evaluated 2025-11-08.

Allele frequency attached by ClinVar (database versions not stated): gnomAD exomes 0.00003 and 0.00016; gnomAD 0.00001; TOPMed 0.00005; ExAC 0.00013.
gnomAD v4.1: 42 of 1,611,082 alleles (0.0026%); highest among the groups gnomAD compares: Admixed American, 0.067%; no homozygotes.

Submissions (3):

Ambry Genetics
Classification: Uncertain significance. Last evaluated: 2025-11-08. Review status: criteria provided, single submitter. Criteria: Ambry Variant Classification Scheme 2023. Collection method: clinical testing. Allele origin: germline.

Labcorp Genetics (formerly Invitae), Labcorp
Classification: Uncertain significance. Last evaluated: 2022-06-05. Review status: criteria provided, single submitter. Criteria: Invitae Variant Classification Sherloc (09022015). Collection method: clinical testing. Allele origin: germline.
Comment: This sequence change replaces aspartic acid, which is acidic and polar, with glycine, which is neutral and non-polar, at codon 633 of the EXOC6B protein (p.Asp633Gly). This variant is present in population databases (rs200863408, gnomAD 0.1%), and has an allele count higher than expected for a pathogenic variant. This variant has not been reported in the literature in individuals affected with EXOC6B-related conditions. ClinVar contains an entry for this variant (Variation ID: 1378348). Experimental studies and prediction algorithms are not available or were not evaluated, and the functional significance of this variant is currently unknown. In summary, the available evidence is currently insufficient to determine the role of this variant in disease. Therefore, it has been classified as a Variant of Uncertain Significance.

Dr. Peter K. Rogan Lab, Western University
No classification provided (evidence only). Condition: Thyroid cancer, nonmedullary, 1. Review status: no classification provided. Collection method: in vitro. Allele origin: not applicable. Functional consequence: retained intron. Not counted in ClinVar's aggregate classification.

NM_015189.3(EXOC6B):c.1898A>G (p.Asp633Gly)

Gene: EXOC6B (exocyst complex component 6B; minus strand). Cytogenetic location: 2p13.2.
Variant type: single nucleotide variant.
Coding change: c.1898A>G on transcript NM_015189.3 (MANE Select); coding-DNA position 1898, A replaced by G.
Protein change: p.Asp633Gly; replaces aspartic acid 633 with glycine.
Molecular consequence: missense variant. On other transcripts: non-coding transcript variant (1).
Genome position (GRCh38, 1-based): chr2:72,465,242, T>C on the plus strand (A>G on the coding strand, the complement: EXOC6B is on the minus strand). VCF-style: chr2-72465242-T-C. GRCh37 (hg19) VCF-style: chr2-72692371-T-C.
Other names: c.1898A>G, p.Asp633Gly (NM_001321729.2, NM_001321731.2); c.1763A>G, p.Asp588Gly (NM_001321730.2, NM_001321733.2); c.1559A>G, p.Asp520Gly (NM_001321734.2); c.1898A>G (NM_015189.1); short protein forms D633G, D520G, D588G.
Identifiers: ClinVar variation 1378348 (VCV001378348.6), dbSNP rs200863408, ClinGen allele CA1708338.